The following is an entry in ClinVar:

NM_003873.7(NRP1):c.1559G>C (p.Ser520Thr)

Gene: NRP1 (neuropilin 1; minus strand). Cytogenetic location: 10p11.22.
Variant type: single nucleotide variant.
Coding change: c.1559G>C on transcript NM_003873.7 (MANE Select); coding-DNA position 1559, G replaced by C.
Protein change: p.Ser520Thr; replaces serine 520 with threonine.
Molecular consequence: missense variant. On other transcripts: non-coding transcript variant (1).
Genome position (GRCh38, 1-based): chr10:33,213,441, C>G on the plus strand (G>C on the coding strand, the complement: NRP1 is on the minus strand). VCF-style: chr10-33213441-C-G. GRCh37 (hg19) VCF-style: chr10-33502369-C-G.
Other names: c.1559G>C, p.Ser520Thr (NM_001024628.3, NM_001024629.3, NM_001244972.2 and 2 more transcripts); short protein forms S520T.
Identifiers: ClinVar variation 3349567 (VCV003349567.1).

ClinVar aggregate classification (germline): Uncertain significance (0 of 4 stars; one submission).

Conditions:
NRP1-related disorder. Also called: NRP1-related condition.

gnomAD v4.1: 1 of 1,614,060 alleles (0.000062%); highest among the groups gnomAD compares: Non-Finnish European, 0.000085%; no homozygotes.

Submission:

PreventionGenetics, part of Exact Sciences
Classification: Uncertain significance for NRP1-related condition. Last evaluated: 2024-01-30. Review status: no assertion criteria provided. Collection method: clinical testing. Allele origin: germline.
Comment: The NRP1 c.1559G>C variant is predicted to result in the amino acid substitution p.Ser520Thr. To our knowledge, this variant has not been reported in the literature or in a large population database, indicating this variant is rare. At this time, the clinical significance of this variant is uncertain due to the absence of conclusive functional and genetic evidence.